The following is an entry in ClinVar:

NM_173660.5(DOK7):c.1387G>A (p.Glu463Lys)

Gene: DOK7 (docking protein 7; plus strand). Cytogenetic location: 4p16.3.
Variant type: single nucleotide variant.
Coding change: c.1387G>A on transcript NM_173660.5 (MANE Select); coding-DNA position 1387, G replaced by A.
Protein change: p.Glu463Lys; replaces glutamic acid 463 with lysine.
Molecular consequence: missense variant. On other transcripts: 3 prime UTR variant (1).
Genome position (GRCh38, 1-based): chr4:3,493,373, G>A. VCF-style: chr4-3493373-G-A. GRCh37 (hg19) VCF-style: chr4-3495100-G-A.
Other names: c.*608G>A (NM_001164673.2); c.457G>A, p.Glu153Lys (NM_001256896.2); c.1387G>A, p.Glu463Lys (NM_001301071.2); c.955G>A, p.Glu319Lys (NM_001363811.2); c.1387G>A (NM_173660.4); short protein forms E153K, E319K, E463K.
Identifiers: ClinVar variation 1063692 (VCV001063692.6), dbSNP rs745941308, ClinGen allele CA2829497.
Genomic context (GRCh38, chr4:3,493,373, plus strand): 5'-CCCTCTGGCTGGCTGGGCACGAGACGGCGGGGCCTGGTGATGGAGGCCCCCCAGGGCAGC[G>A]AGGCCACACTGCCTGGCCCTGCCCCTGGCGAGCCCTGGGAAGCAGGCGGCCCCCACGCGG-3'
Protein context (NP_775931.3, residues 453-473): GLVMEAPQGS[Glu463Lys]ATLPGPAPGE

ClinVar aggregate classification (germline): Uncertain significance. Review status: criteria provided, multiple submitters, no conflicts (2 of 4 stars). 2 submissions from 2 submitters: Uncertain significance (2). Last evaluated 2025-12-04.

Conditions:
Inborn genetic diseases. Identifiers: MedGen C0950123, MeSH D030342.
Fetal akinesia deformation sequence 1 (FADS1). Also called: Pena-Shokeir syndrome type I; Fetal akinesia sequence. Identifiers: Orphanet 994, MedGen C1276035, MONDO:0100101, OMIM 208150, HP:0001989.
Congenital myasthenic syndrome 10. Also called: Myasthenia, limb-girdle, familial. Identifiers: Orphanet 590, MedGen C1850792, MONDO:0009690, OMIM 254300.

Allele frequency attached by ClinVar (database versions not stated): gnomAD 0.00001; TOPMed 0.00001; ExAC 0.00002.
gnomAD v4.1: 20 of 1,595,848 alleles (0.0013%); highest among the groups gnomAD compares: East Asian, 0.0068%; no homozygotes.

Submissions (2):

Ambry Genetics
Classification: Uncertain significance for Inborn genetic diseases. Last evaluated: 2025-12-04. Review status: criteria provided, single submitter. Criteria: Ambry Variant Classification Scheme 2023. Collection method: clinical testing. Allele origin: germline.

Labcorp Genetics (formerly Invitae), Labcorp
Classification: Uncertain significance for Congenital myasthenic syndrome 10; Fetal akinesia deformation sequence 1. Last evaluated: 2024-01-15. Review status: criteria provided, single submitter. Criteria: Invitae Variant Classification Sherloc (09022015). Collection method: clinical testing. Allele origin: germline.
Comment: This sequence change replaces glutamic acid, which is acidic and polar, with lysine, which is basic and polar, at codon 463 of the DOK7 protein (p.Glu463Lys). This variant is present in population databases (rs745941308, gnomAD 0.01%). This variant has not been reported in the literature in individuals affected with DOK7-related conditions. ClinVar contains an entry for this variant (Variation ID: 1063692). An algorithm developed to predict the effect of missense changes on protein structure and function (PolyPhen-2) suggests that this variant¬†is likely to be tolerated. In summary, the available evidence is currently insufficient to determine the role of this variant in disease. Therefore, it has been classified as a Variant of Uncertain Significance.